The following is an entry in ClinVar:

ClinVar aggregate classification (germline): Pathogenic (1 of 4 stars; one submission).

Allele frequency attached by ClinVar (database versions not stated): TOPMed below 0.00001; gnomAD 0.00001.

Submission:

Labcorp Genetics (formerly Invitae), Labcorp
Classification: Pathogenic. Last evaluated: 2024-01-01. Review status: criteria provided, single submitter. Criteria: Invitae Variant Classification Sherloc (09022015). Collection method: clinical testing. Allele origin: germline.
Comment: This sequence change creates a premature translational stop signal (p.Gln102*) in the HMOX1 gene. It is expected to result in an absent or disrupted protein product. Loss-of-function variants in HMOX1 are known to be pathogenic (PMID: 9884342, 21088618). This variant is not present in population databases (gnomAD no frequency). This variant has not been reported in the literature in individuals affected with HMOX1-related conditions. For these reasons, this variant has been classified as Pathogenic.

Literature cited by the submitters: PubMed 9884342; PubMed 21088618.

NM_002133.3(HMOX1):c.304C>T (p.Gln102Ter)

Gene: HMOX1 (heme oxygenase 1; plus strand). Cytogenetic location: 22q12.3.
Variant type: single nucleotide variant.
Coding change: c.304C>T on transcript NM_002133.3 (MANE Select); coding-DNA position 304, C replaced by T.
Protein change: p.Gln102Ter; replaces glutamine 102 with a stop codon.
Molecular consequence: nonsense.
Genome position (GRCh38, 1-based): chr22:35,386,844, C>T. VCF-style: chr22-35386844-C-T. GRCh37 (hg19) VCF-style: chr22-35782837-C-T.
Other names: short protein forms Q102*.
Identifiers: ClinVar variation 2759906 (VCV002759906.3), dbSNP rs1931521433, ClinGen allele CA411352438.